The following is an entry in ClinVar:

NM_001376.5(DYNC1H1):c.701A>G (p.Asp234Gly)

Gene: DYNC1H1 (dynein cytoplasmic 1 heavy chain 1; plus strand). Cytogenetic location: 14q32.31.
Variant type: single nucleotide variant.
Coding change: c.701A>G on transcript NM_001376.5 (MANE Select); coding-DNA position 701, A replaced by G.
Protein change: p.Asp234Gly; replaces aspartic acid 234 with glycine.
Molecular consequence: missense variant.
Genome position (GRCh38, 1-based): chr14:101,979,901, A>G. VCF-style: chr14-101979901-A-G. GRCh37 (hg19) VCF-style: chr14-102446238-A-G.
Other names: short protein forms D234G.
Identifiers: ClinVar variation 2122024 (VCV002122024.5), dbSNP rs2503679487, ClinGen allele CA391008778.
Genomic context (GRCh38, chr14:101,979,901, plus strand): 5'-CAAATGTTGCAAAACAGTGTTATGAGCGTGGAGAAAAGCCAAAAGTTACAGACTTTGGTG[A>G]TAAGGTTGAAGACCCAACATTTCTTAATCAGTTACAATCTGGAGTTAACCGCTGGATCCG-3'
Protein context (NP_001367.2, residues 224-244): GEKPKVTDFG[Asp234Gly]KVEDPTFLNQ

ClinVar aggregate classification (germline): Uncertain significance (1 of 4 stars; one submission).

Conditions:
Charcot-Marie-Tooth disease axonal type 2O. Also called: CHARCOT-MARIE-TOOTH NEUROPATHY, AXONAL, TYPE 2O; CHARCOT-MARIE-TOOTH DISEASE, AXONAL, AUTOSOMAL DOMINANT, TYPE 2O; Charcot-Marie-Tooth Neuropathy Type 2O; Charcot-Marie-Tooth disease, axonal, type 20. Identifiers: Orphanet 284232, MedGen C3280220, MONDO:0013644, OMIM 614228.

Submissions (2):

Labcorp Genetics (formerly Invitae), Labcorp
Classification: Uncertain significance for Charcot-Marie-Tooth disease axonal type 2O. Last evaluated: 2022-04-06. Review status: criteria provided, single submitter. Criteria: Invitae Variant Classification Sherloc (09022015). Collection method: clinical testing. Allele origin: germline.
Comment: In summary, the available evidence is currently insufficient to determine the role of this variant in disease. Therefore, it has been classified as a Variant of Uncertain Significance. Algorithms developed to predict the effect of sequence changes on RNA splicing suggest that this variant may create or strengthen a splice site. Advanced modeling of protein sequence and biophysical properties (such as structural, functional, and spatial information, amino acid conservation, physicochemical variation, residue mobility, and thermodynamic stability) performed at Invitae indicates that this missense variant is not expected to disrupt DYNC1H1 protein function. This variant has not been reported in the literature in individuals affected with DYNC1H1-related conditions. This sequence change replaces aspartic acid, which is acidic and polar, with glycine, which is neutral and non-polar, at codon 234 of the DYNC1H1 protein (p.Asp234Gly). This variant is not present in population databases (gnomAD no frequency).

Dr. Peter K. Rogan Lab, Western University
No classification provided (evidence only). Condition: Hepatocellular carcinoma. Review status: no classification provided. Collection method: in vitro. Allele origin: not applicable. Functional consequence: retained intron. Not counted in ClinVar's aggregate classification.